The following is an entry in ClinVar:

ClinVar aggregate classification (germline): Uncertain significance. Review status: criteria provided, multiple submitters, no conflicts (2 of 4 stars). 2 submissions from 2 submitters: Uncertain significance (2). Last evaluated 2025-12-21.

Conditions:
Rhabdoid tumor predisposition syndrome 2 (RTPS2). Identifiers: Orphanet 231108, Orphanet 69077, MedGen C2750074, MONDO:0013224, OMIM 613325.

Submissions (2):

Labcorp Genetics (formerly Invitae), Labcorp
Classification: Uncertain significance for Rhabdoid tumor predisposition syndrome 2. Last evaluated: 2025-12-21. Review status: criteria provided, single submitter. Criteria: Invitae Variant Classification Sherloc (09022015). Collection method: clinical testing. Allele origin: germline.
Comment: This sequence change replaces serine, which is neutral and polar, with tyrosine, which is neutral and polar, at codon 332 of the SMARCA4 protein (p.Ser332Tyr). This variant is not present in population databases (gnomAD no frequency). This variant has not been reported in the literature in individuals affected with SMARCA4-related conditions. ClinVar contains an entry for this variant (Variation ID: 470475). Invitae Evidence Modeling of protein sequence and biophysical properties (such as structural, functional, and spatial information, amino acid conservation, physicochemical variation, residue mobility, and thermodynamic stability) has been performed for this missense variant. However, the output from this modeling did not meet the statistical confidence thresholds required to predict the impact of this variant on SMARCA4 protein function. In summary, the available evidence is currently insufficient to determine the role of this variant in disease. Therefore, it has been classified as a Variant of Uncertain Significance.

Baylor Genetics
Classification: Uncertain significance for Rhabdoid tumor predisposition syndrome 2. Last evaluated: 2024-03-06. Review status: criteria provided, single submitter. Criteria: ACMG Guidelines, 2015. Collection method: clinical testing. Allele origin: unknown.

NM_003072.5(SMARCA4):c.995C>A (p.Ser332Tyr)

Gene: SMARCA4 (SWI/SNF related BAF chromatin remodeling complex subunit ATPase 4; plus strand). Cytogenetic location: 19p13.2.
Variant type: single nucleotide variant.
Coding change: c.995C>A on transcript NM_003072.5 (MANE Select); coding-DNA position 995, C replaced by A.
Protein change: p.Ser332Tyr; replaces serine 332 with tyrosine.
Molecular consequence: missense variant. On other transcripts: non-coding transcript variant (1).
Genome position (GRCh38, 1-based): chr19:10,987,801, C>A. VCF-style: chr19-10987801-C-A. GRCh37 (hg19) VCF-style: chr19-11098477-C-A.
Other names: c.995C>A, p.Ser332Tyr (NM_001128844.3, NM_001128845.2, NM_001128846.2 and 5 more transcripts); short protein forms S332Y.
Identifiers: ClinVar variation 470475 (VCV000470475.9), dbSNP rs1013942482, ClinGen allele CA404058601.